The following is an entry in ClinVar:

ClinVar aggregate classification (germline): Uncertain significance. Review status: criteria provided, multiple submitters, no conflicts (2 of 4 stars). 2 submissions from 2 submitters: Uncertain significance (2). Last evaluated 2026-05-13.

Conditions:
Inborn genetic diseases. Identifiers: MedGen C0950123, MeSH D030342.

gnomAD v4.1: 6 of 1,614,026 alleles (0.00037%); highest among the groups gnomAD compares: Non-Finnish European, 0.00051%; no homozygotes.

Submissions (2):

Ambry Genetics
Classification: Uncertain significance for Inborn genetic diseases. Last evaluated: 2026-05-13. Review status: criteria provided, single submitter. Criteria: Ambry Variant Classification Scheme 2023. Collection method: clinical testing. Allele origin: germline.
Comment: The c.1568A>G (p.N523S) alteration is located in exon 11 (coding exon 11) of the CUL3 gene. This alteration results from a A to G substitution at nucleotide position 1568, causing the asparagine (N) at amino acid position 523 to be replaced by a serine (S). Based on data from gnomAD, the G allele has an overall frequency of <0.001% (1/251472) total alleles studied. The highest observed frequency was 0.001% (1/113752) of European (non-Finnish) alleles. Based on insufficient or conflicting evidence, the clinical significance of this alteration remains unclear.

Labcorp Genetics (formerly Invitae), Labcorp
Classification: Uncertain significance. Last evaluated: 2024-08-31. Review status: criteria provided, single submitter. Criteria: Invitae Variant Classification Sherloc (09022015). Collection method: clinical testing. Allele origin: germline.
Comment: This sequence change replaces asparagine, which is neutral and polar, with serine, which is neutral and polar, at codon 523 of the CUL3 protein (p.Asn523Ser). This variant is present in population databases (rs752673692, gnomAD 0.0009%). This variant has not been reported in the literature in individuals affected with CUL3-related conditions. Invitae Evidence Modeling of protein sequence and biophysical properties (such as structural, functional, and spatial information, amino acid conservation, physicochemical variation, residue mobility, and thermodynamic stability) indicates that this missense variant is not expected to disrupt CUL3 protein function with a negative predictive value of 80%. In summary, the available evidence is currently insufficient to determine the role of this variant in disease. Therefore, it has been classified as a Variant of Uncertain Significance.

NM_003590.5(CUL3):c.1568A>G (p.Asn523Ser)

Gene: CUL3 (cullin 3; minus strand). Cytogenetic location: 2q36.2.
Variant type: single nucleotide variant.
Coding change: c.1568A>G on transcript NM_003590.5 (MANE Select); coding-DNA position 1568, A replaced by G.
Protein change: p.Asn523Ser; replaces asparagine 523 with serine.
Molecular consequence: missense variant.
Genome position (GRCh38, 1-based): chr2:224,500,405, T>C on the plus strand (A>G on the coding strand, the complement: CUL3 is on the minus strand). VCF-style: chr2-224500405-T-C. GRCh37 (hg19) VCF-style: chr2-225365122-T-C.
Other names: c.1568A>G (NM_003590.3); c.1370A>G, p.Asn457Ser (NM_001257197.2); c.1586A>G, p.Asn529Ser (NM_001257198.2); short protein forms N523S, N457S, N529S.
Identifiers: ClinVar variation 3630831 (VCV003630831.3).
Genomic context (GRCh38, chr2:224,500,405, plus strand): 5'-AGTCTGATTTTGATTTACCTTCTGAATATCTCAAAAGCATGTCTTGGTGCTGGTGGGATG[T>C]TGCACTTTGGTGTGGCTGACTGAGTGGGCCAATATCCTGTCGTGAGCACCCGGACTGTAA-3'
Protein context (NP_003581.1, residues 513-533): WPTQSATPKC[Asn523Ser]IPPAPRHAFE